The following is an entry in ClinVar:

ClinVar aggregate classification (germline): Conflicting classifications of pathogenicity. Review status: criteria provided, conflicting classifications (1 of 4 stars). 9 submissions from 9 submitters: Uncertain significance (8); Likely benign (1). Last evaluated 2025-12-01.

Conditions:
Inborn genetic diseases. Identifiers: MedGen C0950123, MeSH D030342.
Fatal mitochondrial disease due to combined oxidative phosphorylation defect type 3. Also called: ENCEPHALOMYOPATHY, RESPIRATORY FAILURE, AND LACTIC ACIDOSIS; Combined oxidative phosphorylation deficiency 3. Identifiers: Orphanet 168566, MedGen C1864840, MONDO:0012512, OMIM 610505.

Allele frequency attached by ClinVar (database versions not stated): gnomAD exomes 0.00034; TOPMed 0.00037; gnomAD 0.00041; ExAC 0.00045; ESP Exome Variant Server 0.00062.

Submissions (9):

CeGaT Center for Human Genetics Tuebingen
Classification: Likely benign. Last evaluated: 2025-12-01. Review status: criteria provided, single submitter. Criteria: CeGaT Center For Human Genetics Tuebingen Variant Classification Criteria Version 2. Collection method: clinical testing. Allele origin: germline. Affected: yes. Observed: 1 variant allele.
Comment: TSFM: BP4

Mayo Clinic Laboratories, Mayo Clinic
Classification: Uncertain significance. Last evaluated: 2025-06-09. Review status: criteria provided, single submitter. Criteria: ACMG Guidelines, 2015. Collection method: clinical testing. Allele origin: germline. Observed: 3 variant alleles.
Comment: BP4_moderate

Ambry Genetics
Classification: Uncertain significance for Inborn genetic diseases. Last evaluated: 2023-12-17. Review status: criteria provided, single submitter. Criteria: Ambry Variant Classification Scheme 2023. Collection method: clinical testing. Allele origin: germline.

GeneDx
Classification: Uncertain significance. Last evaluated: 2023-11-07. Review status: criteria provided, single submitter. Criteria: GeneDx Variant Classification Process June 2021. Collection method: clinical testing. Allele origin: germline. Affected: yes.
Comment: In silico analysis supports that this missense variant does not alter protein structure/function; Has not been previously published as pathogenic or benign to our knowledge

Baylor Genetics
Classification: Uncertain significance for Fatal mitochondrial disease due to combined oxidative phosphorylation defect type 3. Last evaluated: 2023-03-29. Review status: criteria provided, single submitter. Criteria: ACMG Guidelines, 2015. Collection method: clinical testing. Allele origin: unknown.

Labcorp Genetics (formerly Invitae), Labcorp
Classification: Uncertain significance. Last evaluated: 2022-11-01. Review status: criteria provided, single submitter. Criteria: Invitae Variant Classification Sherloc (09022015). Collection method: clinical testing. Allele origin: germline.
Comment: This sequence change replaces valine, which is neutral and non-polar, with leucine, which is neutral and non-polar, at codon 251 of the TSFM protein (p.Val251Leu). This variant is present in population databases (rs151248026, gnomAD 0.07%). This variant has not been reported in the literature in individuals affected with TSFM-related conditions. ClinVar contains an entry for this variant (Variation ID: 310017). Advanced modeling of protein sequence and biophysical properties (such as structural, functional, and spatial information, amino acid conservation, physicochemical variation, residue mobility, and thermodynamic stability) performed at Invitae indicates that this missense variant is not expected to disrupt TSFM protein function. In summary, the available evidence is currently insufficient to determine the role of this variant in disease. Therefore, it has been classified as a Variant of Uncertain Significance.

Department of Pathology and Laboratory Medicine, Sinai Health System
Classification: Uncertain significance for Fatal mitochondrial disease due to combined oxidative phosphorylation defect type 3. Last evaluated: 2021-07-30. Review status: criteria provided, single submitter. Criteria: ACMG Guidelines, 2015. Collection method: research. Allele origin: germline.

Laboratorio de Genetica e Diagnostico Molecular, Hospital Israelita Albert Einstein
Classification: Uncertain significance. Last evaluated: 2019-04-17. Review status: criteria provided, single submitter. Criteria: ACMG Guidelines, 2015. Collection method: clinical testing. Allele origin: germline. Affected: yes.
Comment: ACMG classification criteria: PM2, BP4

Illumina Laboratory Services, Illumina
Classification: Uncertain significance for Fatal mitochondrial disease due to combined oxidative phosphorylation defect type 3. Last evaluated: 2018-01-12. Review status: criteria provided, single submitter. Criteria: ICSL Variant Classification Criteria 13 December 2019. Collection method: clinical testing. Allele origin: germline.

NM_005726.6(TSFM):c.688G>T (p.Val230Leu)

Gene: TSFM (Ts translation elongation factor, mitochondrial; plus strand). Cytogenetic location: 12q14.1.
Variant type: single nucleotide variant.
Coding change: c.688G>T on transcript NM_005726.6 (MANE Select); coding-DNA position 688, G replaced by T.
Protein change: p.Val230Leu; replaces valine 230 with leucine.
Molecular consequence: missense variant. On other transcripts: 3 prime UTR variant (1), intron variant (1).
Genome position (GRCh38, 1-based): chr12:57,796,293, G>T. VCF-style: chr12-57796293-G-T. GRCh37 (hg19) VCF-style: chr12-58190076-G-T.
Other names: p.Val251Leu; c.*96G>T (NM_001172695.2); c.751G>T, p.Val251Leu (NM_001172696.2); c.571+3220G>T (NM_001172697.2); short protein forms V251L, V230L.
Identifiers: ClinVar variation 310017 (VCV000310017.19), dbSNP rs151248026, ClinGen allele CA6659430.
Genomic context (GRCh38, chr12:57,796,293, plus strand): 5'-GGGTTCTACGTTGGCTCTTATGTCCACGGAGCAATGCAGAGTCCCTCACTTCACAAGCTG[G>T]TGCTGGGGAAGTATGGGGCCCTGGTCATCTGTGAGACGTCTGAACAGAAAACAAACCTTG-3'
Protein context (NP_005717.3, residues 220-240): AMQSPSLHKL[Val230Leu]LGKYGALVIC